The following is an entry in ClinVar:

NM_144991.3(TSPEAR):c.1178del (p.Pro393fs)

Gene: TSPEAR (thrombospondin type laminin G domain and EAR repeats; minus strand). Cytogenetic location: 21q22.3.
Variant type: Deletion.
Coding change: c.1178del on transcript NM_144991.3 (MANE Select); coding-DNA position 1178, one base deleted (C; older notation c.1178delC).
Protein change: p.Pro393fs; shifts the reading frame from proline 393.
Molecular consequence: frameshift variant.
Genome position (GRCh38, 1-based): chr21:44,525,811, G deleted on the plus strand (C on the coding strand, the reverse complement: TSPEAR is on the minus strand); the first of 2 consecutive G bases (chr21:44,525,811-44,525,812); deleting either gives the same sequence. VCF-style (leftmost placement, unchanged base first): chr21-44525810-TG-T. GRCh37 (hg19) VCF-style: chr21-45945693-TG-T.
Other names: c.1178del (NM_144991.2); c.974del (NM_001272037.1); c.974del, p.Pro325fs (NM_001272037.2); short protein forms P325fs, P393fs.
Identifiers: ClinVar variation 2136295 (VCV002136295.9), dbSNP rs782224965, ClinGen allele CA10056673.

ClinVar aggregate classification (germline): Pathogenic/Likely pathogenic. Review status: criteria provided, multiple submitters, no conflicts (2 of 4 stars). 6 submissions from 6 submitters: Pathogenic (1); Likely pathogenic (5). Last evaluated 2026-08-06.

Conditions:
Ectodermal dysplasia 14, hair/tooth type with or without hypohidrosis. Identifiers: Orphanet 685067, MedGen C4748560, MONDO:0032584, OMIM 618180.
TSPEAR-related disorder. Also called: TSPEAR-related condition.
Tooth agenesis, selective, 10 (STHAG10). Identifiers: MedGen C5774277, MONDO:0859339, OMIM 620173.

Submissions (6):

OLLIN Analises Genomicas, OLLIN
Classification: Likely pathogenic for Tooth agenesis, selective, 10. Last evaluated: 2026-08-06. Review status: criteria provided, single submitter. Criteria: ACMG Guidelines 2015 PMID 25741868. Collection method: clinical testing. Allele origin: germline. Inheritance: Autosomal recessive inheritance.
Comment: This frameshift variant, located in exon 8 (of 12), has been reported in ClinVar (accession VCV002136295.7) and in gnomAD with an allele frequency of 0.0024%. However, to our knowledge, it has not been reported in the scientific literature. This variant causes a frameshift and introduces a premature stop codon, which is predicted to result in either a truncated protein or degradation of the mRNA via nonsense-mediated decay (NMD). According to the currently available evidence, this variant has been classified as likely pathogenic (PVS1, PM2_P).

Labcorp Genetics (formerly Invitae), Labcorp
Classification: Pathogenic. Last evaluated: 2025-09-29. Review status: criteria provided, single submitter. Criteria: Invitae Variant Classification Sherloc (09022015). Collection method: clinical testing. Allele origin: germline.
Comment: This sequence change creates a premature translational stop signal (p.Pro393Glnfs*19) in the TSPEAR gene. It is expected to result in an absent or disrupted protein product. Loss-of-function variants in TSPEAR are known to be pathogenic (PMID: 34042254). This variant is present in population databases (rs782224965, gnomAD 0.02%). This variant has not been reported in the literature in individuals affected with TSPEAR-related conditions. ClinVar contains an entry for this variant (Variation ID: 2136295). Algorithms developed to predict the effect of sequence changes on RNA splicing suggest that this variant may disrupt the consensus splice site. For these reasons, this variant has been classified as Pathogenic.

Dasa
Classification: Likely pathogenic. Last evaluated: 2025-04-04. Review status: criteria provided, single submitter. Criteria: DASA Assertion Criteria. Collection method: clinical testing. Allele origin: germline.
Comment: NM_144991.3(TSPEAR):c.1178del (p.Pro393Glnfs*19) is a frameshift variant in TSPEAR predicted to alter the reading frame and introduce a premature termination codon and is predicted to result in an absent or altered protein product. Loss of function is an established disease mechanism for TSPEAR-associated disorders. Also, this variant is rare in population databases. Based on the currently available evidence, this variant is classified as likely pathogenic.

Greenwood Genetic Center Diagnostic Laboratories, Greenwood Genetic Center
Classification: Likely pathogenic for TSPEAR-related disorder. Last evaluated: 2025-03-11. Review status: criteria provided, single submitter. Criteria: ACMG Guidelines, 2015. Collection method: clinical testing. Allele origin: germline. Affected: yes.
Comment: PVS1, PM2

GeneDx
Classification: Likely pathogenic. Last evaluated: 2023-09-26. Review status: criteria provided, single submitter. Criteria: GeneDx Variant Classification Process June 2021. Collection method: clinical testing. Allele origin: germline. Affected: yes.
Comment: Frameshift variant predicted to result in protein truncation or nonsense mediated decay in a gene for which loss of function is a known mechanism of disease; Has not been previously published as pathogenic or benign to our knowledge

CHU Sainte-Justine Research Center, University of Montreal
Classification: Likely pathogenic for Ectodermal dysplasia 14, hair/tooth type with or without hypohidrosis. Last evaluated: 2021-04-16. Review status: criteria provided, single submitter. Criteria: ACMG Guidelines, 2015. Collection method: clinical testing. Allele origin: biparental. Affected: yes.

Literature cited by the submitters: PubMed 34042254 (cited by Labcorp Genetics (formerly Invitae), Labcorp).